The following is an entry in ClinVar:

NM_000070.3(CAPN3):c.1355-6G>A

Genes: CAPN3 (calpain 3; plus strand), LOC130056921 (ATAC-STARR-seq lymphoblastoid active region 9300; plus strand). Cytogenetic location: 15q15.1.
Variant type: single nucleotide variant.
Coding change: c.1355-6G>A on transcript NM_000070.3 (MANE Select); 6 bases into the intron before coding-DNA position 1355, G replaced by A.
Molecular consequence: intron variant.
Genome position (GRCh38, 1-based): chr15:42,401,635, G>A. VCF-style: chr15-42401635-G-A. GRCh37 (hg19) VCF-style: chr15-42693833-G-A.
Other names: p.?; c.1355-6G>A (NM_024344.2); c.1211-6G>A (NM_173087.2).
Identifiers: ClinVar variation 128567 (VCV000128567.27), dbSNP rs28364485, ClinGen allele CA152138.
Genomic context (GRCh38, chr15:42,401,635, plus strand): 5'-TGTCTCATCCCCTTCCTGCCCTCTGAGAGGCAGCTGTGAATGCGTGCTTCCTTTCTGGGG[G>A]TGCAGATACTTTCTGGACCAACCCTCAGTACCGTCTGAAGCTCCTGGAGGAGGACGATGA-3'

ClinVar aggregate classification (germline): Benign/Likely benign. Review status: criteria provided, multiple submitters, no conflicts (2 of 4 stars). 6 submissions from 6 submitters: Benign (4); Likely benign (1). 1 of the submissions does not count toward it. Last evaluated 2026-02-01.

Conditions:
Autosomal recessive limb-girdle muscular dystrophy type 2A (LGMDR1). Also called: LEYDEN-MOEBIUS MUSCULAR DYSTROPHY; MUSCULAR DYSTROPHY, PELVOFEMORAL; Limb-girdle muscular dystrophy, type 2A; Calpainopathy; Muscular dystrophy, limb-girdle, type 2A, Amish. Identifiers: Orphanet 267, MedGen C1869123, MONDO:0009675, OMIM 253600. Disease mechanism: loss of function.

Allele frequency attached by ClinVar (database versions not stated): ExAC 0.00462; gnomAD 0.01494 and 0.01593; TOPMed 0.01598; ESP Exome Variant Server 0.01676; 1000 Genomes Project 0.02256; 1000 Genomes Project 30x 0.02374.
gnomAD v4.1: 4,343 of 1,614,054 alleles (0.27%); highest among the groups gnomAD compares: African/African-American, 5.2%; 101 homozygotes.

Submissions (6):

Labcorp Genetics (formerly Invitae), Labcorp
Classification: Benign for Autosomal recessive limb-girdle muscular dystrophy type 2A. Last evaluated: 2026-02-01. Review status: criteria provided, single submitter. Criteria: Invitae Variant Classification Sherloc (09022015). Collection method: clinical testing. Allele origin: germline.

Mayo Clinic Laboratories, Mayo Clinic
Classification: Benign. Last evaluated: 2018-04-04. Review status: criteria provided, single submitter. Criteria: ACMG Guidelines, 2015. Collection method: clinical testing. Allele origin: germline. Observed: 12 variant alleles.

Illumina Laboratory Services, Illumina
Classification: Likely benign for Limb-girdle muscular dystrophy, type 2A. Last evaluated: 2017-04-27. Review status: criteria provided, single submitter. Criteria: ICSL Variant Classification Criteria 13 December 2019. Collection method: clinical testing. Allele origin: germline.
Comment: This variant was observed as part of a predisposition screen in an ostensibly healthy population. A literature search was performed for the gene, cDNA change, and amino acid change (where applicable). Publications were found based on this search. The evidence from the literature, in combination with allele frequency data from public databases where available, was sufficient to determine this variant is unlikely to cause disease. Therefore, this variant is classified as likely benign.

GeneDx
Classification: Benign. Last evaluated: 2016-08-09. Review status: criteria provided, single submitter. Criteria: GeneDx Variant Classification (06012015). Collection method: clinical testing. Allele origin: germline. Affected: yes.
Comment: This variant is considered likely benign or benign based on one or more of the following criteria: it is a conservative change, it occurs at a poorly conserved position in the protein, it is predicted to be benign by multiple in silico algorithms, and/or has population frequency not consistent with disease.

PreventionGenetics, part of Exact Sciences
Classification: Benign. Review status: criteria provided, single submitter. Criteria: ACMG Guidelines, 2015. Collection method: clinical testing. Allele origin: germline.

Genetic Services Laboratory, University of Chicago
Classification: Likely benign for AllHighlyPenetrant. Review status: no assertion criteria provided. Collection method: clinical testing. Allele origin: germline. Inheritance: Autosomal recessive inheritance. Not counted in ClinVar's aggregate classification.
Comment: Likely benign based on allele frequency in 1000 Genomes Project or ESP global frequency and its presence in a patient with a rare or unrelated disease phenotype. NOT Sanger confirmed.

Literature cited by the submitters: PubMed 18055493 (cited by Illumina Laboratory Services, Illumina); PubMed 15689361 (cited by Illumina Laboratory Services, Illumina); PubMed 18854869 (cited by Illumina Laboratory Services, Illumina); PubMed 18854868 (cited by Illumina Laboratory Services, Illumina).